The following is an entry in ClinVar:

ClinVar aggregate classification (germline): Likely benign. Review status: criteria provided, multiple submitters, no conflicts (2 of 4 stars). 3 submissions from 3 submitters: Likely benign (3). Last evaluated 2022-08-18.

Conditions:
Cardiovascular phenotype. Identifiers: MedGen CN230736.
Brugada syndrome. Also called: Sudden unexpected nocturnal death syndrome; Sudden unexplained nocturnal death syndrome; Sudden Unexplained Death Syndrome; Sudden Unexplained Nocturnal Death Syndrome (SUNDS). Identifiers: Orphanet 130, MedGen C1142166, MONDO:0015263.

Allele frequency attached by ClinVar (database versions not stated): ExAC 0.00002; gnomAD exomes 0.00002 and 0.00006; TOPMed 0.00002; gnomAD 0.00003.
gnomAD v4.1: 99 of 1,613,800 alleles (0.0061%); highest among the groups gnomAD compares: South Asian, 0.012%; no homozygotes.

Submissions (3):

Labcorp Genetics (formerly Invitae), Labcorp
Classification: Likely benign for Brugada syndrome. Last evaluated: 2022-08-18. Review status: criteria provided, single submitter. Criteria: Invitae Variant Classification Sherloc (09022015). Collection method: clinical testing. Allele origin: germline.

Ambry Genetics
Classification: Likely benign for Cardiovascular phenotype. Last evaluated: 2021-07-12. Review status: criteria provided, single submitter. Criteria: Ambry Variant Classification Scheme 2023. Collection method: clinical testing. Allele origin: germline.

GeneDx
Classification: Likely benign. Last evaluated: 2018-02-19. Review status: criteria provided, single submitter. Criteria: GeneDx Variant Classification (06012015). Collection method: clinical testing. Allele origin: germline. Affected: yes.
Comment: This variant is considered likely benign or benign based on one or more of the following criteria: it is a conservative change, it occurs at a poorly conserved position in the protein, it is predicted to be benign by multiple in silico algorithms, and/or has population frequency not consistent with disease.

NM_004982.4(KCNJ8):c.1266G>A (p.Ser422=)

Genes: KCNJ8 (potassium inwardly rectifying channel subfamily J member 8; minus strand), KCNJ8-AS1 (KCNJ8 antisense RNA 1; plus strand). Cytogenetic location: 12p12.1.
Variant type: single nucleotide variant.
Coding change: c.1266G>A on transcript NM_004982.4 (MANE Select); coding-DNA position 1266, G replaced by A.
Protein change: p.Ser422=; no amino-acid change (serine 422 retained).
Molecular consequence: synonymous variant.
Genome position (GRCh38, 1-based): chr12:21,765,732, C>T on the plus strand (G>A on the coding strand, the complement: KCNJ8 is on the minus strand). VCF-style: chr12-21765732-C-T. GRCh37 (hg19) VCF-style: chr12-21918666-C-T.
Identifiers: ClinVar variation 515597 (VCV000515597.10), dbSNP rs772569559, ClinGen allele CA6480603.